The following is an entry in ClinVar:

NM_006767.4(LZTR1):c.1552G>T (p.Ala518Ser)

Gene: LZTR1 (leucine zipper like post translational regulator 1; plus strand). Cytogenetic location: 22q11.21.
Variant type: single nucleotide variant.
Coding change: c.1552G>T on transcript NM_006767.4 (MANE Select); coding-DNA position 1552, G replaced by T.
Protein change: p.Ala518Ser; replaces alanine 518 with serine.
Molecular consequence: missense variant.
Genome position (GRCh38, 1-based): chr22:20,994,206, G>T. VCF-style: chr22-20994206-G-T. GRCh37 (hg19) VCF-style: chr22-21348495-G-T.
Other names: short protein forms A518S.
Identifiers: ClinVar variation 4859362 (VCV004859362.1).

ClinVar aggregate classification (germline): Uncertain significance (1 of 4 stars; one submission).

Conditions:
Cardiovascular phenotype. Identifiers: MedGen CN230736.
Hereditary cancer-predisposing syndrome. Also called: Neoplastic Syndromes, Hereditary; Tumor predisposition; Hereditary Cancer Syndrome; Hereditary neoplastic syndrome. Identifiers: Orphanet 140162, MedGen C0027672, MeSH D009386, MONDO:0015356.

Submission:

Ambry Genetics
Classification: Uncertain significance for Cardiovascular phenotype; Hereditary cancer-predisposing syndrome. Last evaluated: 2026-03-23. Review status: criteria provided, single submitter. Criteria: Ambry Variant Classification Scheme 2023. Collection method: clinical testing. Allele origin: germline.
Comment: The p.A518S variant (also known as c.1552G>T), located in coding exon 14 of the LZTR1 gene, results from a G to T substitution at nucleotide position 1552. The alanine at codon 518 is replaced by serine, an amino acid with similar properties. This amino acid position is conserved. In addition, the in silico prediction for this alteration is inconclusive. Based on the available evidence, the clinical significance of this variant remains unclear.